The following is an entry in ClinVar:

ClinVar aggregate classification (germline): Uncertain significance (1 of 4 stars; one submission).

gnomAD v4.1: 66 of 1,613,594 alleles (0.0041%); highest among the groups gnomAD compares: African/African-American, 0.019%; no homozygotes.

Submission:

Labcorp Genetics (formerly Invitae), Labcorp
Classification: Uncertain significance. Last evaluated: 2025-09-21. Review status: criteria provided, single submitter. Criteria: Invitae Variant Classification Sherloc (09022015). Collection method: clinical testing. Allele origin: germline.
Comment: This sequence change replaces valine, which is neutral and non-polar, with methionine, which is neutral and non-polar, at codon 886 of the HDAC4 protein (p.Val886Met). This variant is present in population databases (rs749894760, gnomAD 0.03%). This variant has not been reported in the literature in individuals affected with HDAC4-related conditions. ClinVar contains an entry for this variant (Variation ID: 3669961). Invitae Evidence Modeling of protein sequence and biophysical properties (such as structural, functional, and spatial information, amino acid conservation, physicochemical variation, residue mobility, and thermodynamic stability) indicates that this missense variant is not expected to disrupt HDAC4 protein function with a negative predictive value of 80%. In summary, the available evidence is currently insufficient to determine the role of this variant in disease. Therefore, it has been classified as a Variant of Uncertain Significance.

NM_001378414.1(HDAC4):c.2671G>A (p.Val891Met)

Gene: HDAC4 (histone deacetylase 4; minus strand). Cytogenetic location: 2q37.3.
Variant type: single nucleotide variant.
Coding change: c.2671G>A on transcript NM_001378414.1 (MANE Select); coding-DNA position 2671, G replaced by A.
Protein change: p.Val891Met; replaces valine 891 with methionine.
Molecular consequence: missense variant.
Genome position (GRCh38, 1-based): chr2:239,081,174, C>T on the plus strand (G>A on the coding strand, the complement: HDAC4 is on the minus strand). VCF-style: chr2-239081174-C-T. GRCh37 (hg19) VCF-style: chr2-240002870-C-T.
Other names: c.2671G>A, p.Val891Met (NM_001378415.1); c.2656G>A, p.Val886Met (NM_001378416.1, NM_001378417.1, NM_006037.4); short protein forms V886M, V891M.
Identifiers: ClinVar variation 3669961 (VCV003669961.2).